The following is an entry in ClinVar:

NM_017617.5(NOTCH1):c.5168-5C>T

Gene: NOTCH1 (notch receptor 1; minus strand). Cytogenetic location: 9q34.3.
Variant type: single nucleotide variant.
Coding change: c.5168-5C>T on transcript NM_017617.5 (MANE Select); 5 bases into the intron before coding-DNA position 5168, C replaced by T.
Molecular consequence: intron variant.
Genome position (GRCh38, 1-based): chr9:136,502,493, G>A on the plus strand (C>T on the coding strand, the complement: NOTCH1 is on the minus strand). VCF-style: chr9-136502493-G-A. GRCh37 (hg19) VCF-style: chr9-139396945-G-A.
Other names: c.5168-5C>T (LRG_1122t1).
Identifiers: ClinVar variation 515071 (VCV000515071.11), dbSNP rs757370134, ClinGen allele CA5340375.

ClinVar aggregate classification (germline): Benign/Likely benign. Review status: criteria provided, multiple submitters, no conflicts (2 of 4 stars). 6 submissions from 5 submitters: Benign (2); Likely benign (4). Last evaluated 2026-01-27.

Conditions:
Aortic valve disease 1 (AOVD1). Identifiers: MedGen C3887892, MONDO:0024523, OMIM 109730.
Adams-Oliver syndrome 5 (AOS5). Identifiers: Orphanet 974, MedGen C4014970, MONDO:0014459, OMIM 616028.
Connective tissue disorder. Also called: Connective tissue disease. Identifiers: MedGen C0009782, MONDO:0003900.
Familial thoracic aortic aneurysm and aortic dissection (TAAD). Also called: Thoracic aortic aneurysms and dissections. Identifiers: Orphanet 91387, MedGen C4707243, MONDO:0019625.

Allele frequency attached by ClinVar (database versions not stated): gnomAD 0.00001 and 0.00002; TOPMed 0.00001; gnomAD exomes 0.00004; ExAC 0.00021.
gnomAD v4.1: 108 of 1,527,850 alleles (0.0071%); highest among the groups gnomAD compares: Middle Eastern, 0.019%; 1 homozygote.

Submissions (6):

Labcorp Genetics (formerly Invitae), Labcorp
Classification: Likely benign for Adams-Oliver syndrome 5. Last evaluated: 2026-01-27. Review status: criteria provided, single submitter. Criteria: Invitae Variant Classification Sherloc (09022015). Collection method: clinical testing. Allele origin: germline.

Ambry Genetics
Classification: Likely benign for Familial thoracic aortic aneurysm and aortic dissection. Last evaluated: 2025-08-26. Review status: criteria provided, single submitter. Criteria: Ambry Variant Classification Scheme 2023. Collection method: clinical testing. Allele origin: germline.

Genome-Nilou Lab
Classification: Benign for Adams-Oliver syndrome 5. Last evaluated: 2022-03-15. Review status: criteria provided, single submitter. Criteria: ACMG Guidelines, 2015. Collection method: clinical testing. Allele origin: germline. Affected: no.

Genome-Nilou Lab
Classification: Benign for Aortic valve disease 1. Last evaluated: 2022-03-15. Review status: criteria provided, single submitter. Criteria: ACMG Guidelines, 2015. Collection method: clinical testing. Allele origin: germline. Affected: no.

GeneDx
Classification: Likely benign. Last evaluated: 2018-01-24. Review status: criteria provided, single submitter. Criteria: GeneDx Variant Classification (06012015). Collection method: clinical testing. Allele origin: germline. Affected: yes.
Comment: This variant is considered likely benign or benign based on one or more of the following criteria: it is a conservative change, it occurs at a poorly conserved position in the protein, it is predicted to be benign by multiple in silico algorithms, and/or has population frequency not consistent with disease.

Center for Human Genetics, Inc
Classification: Likely benign for Connective tissue disorder. Last evaluated: 2016-11-01. Review status: criteria provided, single submitter. Criteria: ACMG Guidelines, 2015. Collection method: clinical testing. Allele origin: germline. Affected: yes.